The following is an entry in ClinVar:

NM_001099922.3(ALG13):c.2191A>G (p.Thr731Ala)

Gene: ALG13 (ALG13 UDP-N-acetylglucosaminyltransferase subunit; plus strand). Cytogenetic location: Xq23.
Variant type: single nucleotide variant.
Coding change: c.2191A>G on transcript NM_001099922.3 (MANE Select); coding-DNA position 2191, A replaced by G.
Protein change: p.Thr731Ala; replaces threonine 731 with alanine.
Molecular consequence: missense variant. On other transcripts: non-coding transcript variant (1).
Genome position (GRCh38, 1-based): chrX:111,727,714, A>G. VCF-style: chrX-111727714-A-G. GRCh37 (hg19) VCF-style: chrX-110970942-A-G.
Other names: c.1879A>G, p.Thr627Ala (NM_001257230.2, NM_001257234.2, NM_001257237.2); c.1957A>G, p.Thr653Ala (NM_001257231.2); c.2191A>G, p.Thr731Ala (NM_001324292.2); c.1705A>G, p.Thr569Ala (NM_001324293.1); short protein forms T569A, T627A, T653A, T731A.
Identifiers: ClinVar variation 2661213 (VCV002661213.25), dbSNP rs761838322, ClinGen allele CA10493832.

ClinVar aggregate classification (germline): Likely benign. Review status: criteria provided, multiple submitters, no conflicts (2 of 4 stars). 2 submissions from 2 submitters: Likely benign (2). Last evaluated 2024-01-25.

Conditions:
Developmental and epileptic encephalopathy, 36 (DEE36). Also called: Epileptic encephalopathy, early infantile, 36; Congenital disorder of glycosylation, type Is; ALG13-CDG. Identifiers: Orphanet 324422, MedGen C4317295, MONDO:0010472, OMIM 300884.

Allele frequency attached by ClinVar (database versions not stated): gnomAD exomes 0.00001; ExAC 0.00004.
gnomAD v4.1: 10 of 1,210,253 alleles (0.00083%); highest among the groups gnomAD compares: South Asian, 0.016%; no homozygotes.

Submissions (2):

Labcorp Genetics (formerly Invitae), Labcorp
Classification: Likely benign for Developmental and epileptic encephalopathy, 36. Last evaluated: 2024-01-25. Review status: criteria provided, single submitter. Criteria: Invitae Variant Classification Sherloc (09022015). Collection method: clinical testing. Allele origin: germline.

CeGaT Center for Human Genetics Tuebingen
Classification: Likely benign. Last evaluated: 2022-07-01. Review status: criteria provided, single submitter. Criteria: CeGaT Center For Human Genetics Tuebingen Variant Classification Criteria Version 2. Collection method: clinical testing. Allele origin: germline. Affected: yes. Observed: 1 variant allele.
Comment: ALG13: BP4, BS2